The following is an entry in ClinVar:

NM_002972.4(SBF1):c.1207G>C (p.Ala403Pro)

Gene: SBF1 (SET binding factor 1; minus strand). Cytogenetic location: 22q13.33.
Variant type: single nucleotide variant.
Coding change: c.1207G>C on transcript NM_002972.4 (MANE Select); coding-DNA position 1207, G replaced by C.
Protein change: p.Ala403Pro; replaces alanine 403 with proline.
Molecular consequence: missense variant.
Genome position (GRCh38, 1-based): chr22:50,465,126, C>G on the plus strand (G>C on the coding strand, the complement: SBF1 is on the minus strand). VCF-style: chr22-50465126-C-G. GRCh37 (hg19) VCF-style: chr22-50903555-C-G.
Other names: c.1210G>C, p.Ala404Pro (NM_001365819.1); short protein forms A403P, A404P.
Identifiers: ClinVar variation 1357548 (VCV001357548.8), dbSNP rs2148598257, ClinGen allele CA412218525.
Genomic context (GRCh38, chr22:50,465,126, plus strand): 5'-TGCCCTCCAGCACCTTCATCAGGAAATCGTCCTCTACCAGCCCACGCTGGCCCAGGAAGG[C>G]TGCCTGGATGACAGAAGGAGGTCGGTCCCTCAGGGGTCTCCACCATGCGCTTATCTCCTA-3'
Protein context (NP_002963.2, residues 393-413): PEPVIRFHKA[Ala403Pro]FLGQRGLVED

ClinVar aggregate classification (germline): Uncertain significance (1 of 4 stars; one submission).

Submission:

Labcorp Genetics (formerly Invitae), Labcorp
Classification: Uncertain significance. Last evaluated: 2021-05-30. Review status: criteria provided, single submitter. Criteria: Invitae Variant Classification Sherloc (09022015). Collection method: clinical testing. Allele origin: germline.
Comment: This variant has not been reported in the literature in individuals with SBF1-related conditions. This variant is not present in population databases (ExAC no frequency). This sequence change replaces alanine with proline at codon 403 of the SBF1 protein (p.Ala403Pro). The alanine residue is moderately conserved and there is a small physicochemical difference between alanine and proline. In summary, the available evidence is currently insufficient to determine the role of this variant in disease. Therefore, it has been classified as a Variant of Uncertain Significance. Algorithms developed to predict the effect of missense changes on protein structure and function are either unavailable or do not agree on the potential impact of this missense change (SIFT: "Deleterious"; PolyPhen-2: "Benign"; Align-GVGD: "Class C0").